The following is an entry in ClinVar:

ClinVar aggregate classification (germline): Uncertain significance. Review status: criteria provided, multiple submitters, no conflicts (2 of 4 stars). 7 submissions from 7 submitters: Uncertain significance (6). 1 of the submissions does not count toward it. Last evaluated 2026-01-02.

Conditions:
CFTR-related disorder (CFTR-RD). Also called: CFTR-related disorders; CFTR-related condition. Identifiers: MedGen C5924204, MONDO:7770004.
Cystic fibrosis (CF). Also called: MUCOVISCIDOSIS. Identifiers: Orphanet 586, MedGen C0010674, MONDO:0009061, OMIM 219700. Disease mechanism: loss of function.
Congenital bilateral aplasia of vas deferens from CFTR mutation (CBAVD). Identifiers: Orphanet 48, MedGen C0403814, MONDO:0010178, OMIM 277180. Disease mechanism: loss of function.

Allele frequency attached by ClinVar (database versions not stated): ExAC 0.00005; gnomAD 0.00002; TOPMed 0.00002; gnomAD exomes 0.00006 and 0.00003.
gnomAD v4.1: 93 of 1,613,894 alleles (0.0058%); highest among the groups gnomAD compares: Non-Finnish European, 0.0075%; no homozygotes.

Submissions (7):

Labcorp Genetics (formerly Invitae), Labcorp
Classification: Uncertain significance for Cystic fibrosis. Last evaluated: 2026-01-02. Review status: criteria provided, single submitter. Criteria: Invitae Variant Classification Sherloc (09022015). Collection method: clinical testing. Allele origin: germline.
Comment: This sequence change replaces valine, which is neutral and non-polar, with methionine, which is neutral and non-polar, at codon 322 of the CFTR protein (p.Val322Met). This variant is present in population databases (rs1800085, gnomAD 0.009%). This missense change has been observed in individual(s) with cystic fibrosis (PMID: 11379874). ClinVar contains an entry for this variant (Variation ID: 43580). Invitae Evidence Modeling of protein sequence and biophysical properties (such as structural, functional, and spatial information, amino acid conservation, physicochemical variation, residue mobility, and thermodynamic stability) has been performed for this missense variant. However, the output from this modeling did not meet the statistical confidence thresholds required to predict the impact of this variant on CFTR protein function. Experimental studies have shown that this missense change affects CFTR function (PMID: 38388235). In summary, the available evidence is currently insufficient to determine the role of this variant in disease. Therefore, it has been classified as a Variant of Uncertain Significance.

Women's Health and Genetics/Laboratory Corporation of America, LabCorp
Classification: Uncertain significance. Last evaluated: 2025-08-22. Review status: criteria provided, single submitter. Criteria: LabCorp Variant Classification Summary - May 2015. Collection method: clinical testing. Allele origin: germline.
Comment: Variant summary: CFTR c.964G>A (p.Val322Met) results in a conservative amino acid change located in the ABC transporter type 1, transmembrane domain (IPR011527) of the encoded protein sequence. Algorithms developed to predict the effect of missense changes on protein structure and function are either unavailable or do not agree on the potential impact of this missense change. The variant allele was found at a frequency of 3.2e-05 in 251276 control chromosomes. c.964G>A has been reported as a non-informative genotype (exact zygosity/second allele is not specified) in an individual with Cystic Fibrosis (LeMarechal_2001) and in an individual with congenital unilateral absence of vas deferens (CUAVD) with azoospermia (Mieusset_2019). These report(s) do not provide unequivocal conclusions about association of the variant with Cystic Fibrosis. At least one publication reports experimental evidence evaluating an impact on protein function. The most pronounced variant effect results in approximately 17% of normal chloride channel conductance relative to wild type (Bihler_2024). The following publications have been ascertained in the context of this evaluation (PMID: 11379874, 31872980, 28784578, 34996830, 38388235). ClinVar contains an entry for this variant (Variation ID: 43580). Based on the evidence outlined above, the variant was classified as VUS-possibly pathogenic.

Ambry Genetics
Classification: Uncertain significance for Cystic fibrosis. Last evaluated: 2025-07-30. Review status: criteria provided, single submitter. Criteria: Ambry Variant Classification Scheme 2023. Collection method: clinical testing. Allele origin: germline.
Comment: The p.V322M variant (also known as c.964G>A), located in coding exon 8 of the CFTR gene, results from a G to A substitution at nucleotide position 964. The valine at codon 322 is replaced by methionine, an amino acid with highly similar properties. This variant was reported in one individual diagnosed with cystic fibrosis; however, limited details were provided regarding clinical phenotype and it is uncertain whether additional CFTR alterations were detected (Le Mar&eacute;chal C et al. Hum. Genet., 2001 Apr;108:290-8). Based on structural analysis, the variant is predicted to be structurally damaging because it changes in cavity/pocket size (Ittisoponpisan S et al. J Endocr Soc, 2018 Aug;2:842-854). This amino acid position is well conserved in available vertebrate species. In addition, this alteration is predicted to be deleterious by in silico analysis. Based on the available evidence, the clinical significance of this variant remains unclear.

Mayo Clinic Laboratories, Mayo Clinic
Classification: Uncertain significance. Last evaluated: 2024-05-22. Review status: criteria provided, single submitter. Criteria: ACMG Guidelines, 2015. Collection method: clinical testing. Allele origin: germline. Observed: 1 variant allele.
Comment: PM2

Laboratory for Molecular Medicine, Mass General Brigham Personalized Medicine
Classification: Uncertain significance. Last evaluated: 2011-10-20. Review status: criteria provided, single submitter. Criteria: LMM Criteria. Collection method: clinical testing. Allele origin: germline. Inheritance: Autosomal recessive inheritance. Observed: 1 variant allele.
Comment: This variant has also been reported in dbSNP without frequency inform ation (rs1800085). Valine (Val) at position 322 is well conserved in mammals and chicken, but not in more distantly related species, and computational analyses (PolyPhen2, SIFT, AlignGVGD) do not provide strong evidence for or against patho genicity. In summary, additional information is required to assess the clinical significance of this variant.

Juno Genomics, Hangzhou Juno Genomics, Inc
Classification: Uncertain significance for Congenital bilateral aplasia of vas deferens from CFTR mutation; Cystic fibrosis. Review status: criteria provided, single submitter. Criteria: ACMG Guidelines, 2015. Collection method: clinical testing. Allele origin: germline.
Comment: Absent from controls (or at extremely low frequency if recessive) in Genome Aggregation Database.;Well-established in vitro or in vivo functional studies supportive of a damaging effect on the gene or gene product.

Natera, Inc.
Classification: Uncertain significance for CFTR-related disorders. Last evaluated: 2018-05-02. Review status: no assertion criteria provided. Collection method: clinical testing. Allele origin: germline. Not counted in ClinVar's aggregate classification.

Literature cited by the submitters: PubMed 11379874 (cited by 5 submitters); PubMed 38388235 (cited by 3 submitters); PubMed 31872980 (cited by 3 submitters); PubMed 28784578 (cited by Women's Health and Genetics/Laboratory Corporation of America, LabCorp and Mayo Clinic Laboratories, Mayo Clinic); PubMed 34996830 (cited by Women's Health and Genetics/Laboratory Corporation of America, LabCorp); PubMed 30019023 (cited by Ambry Genetics and Mayo Clinic Laboratories, Mayo Clinic).

NM_000492.4(CFTR):c.964G>A (p.Val322Met)

Gene: CFTR (CF transmembrane conductance regulator; plus strand). Cytogenetic location: 7q31.2.
Variant type: single nucleotide variant.
Coding change: c.964G>A on transcript NM_000492.4 (MANE Select); coding-DNA position 964, G replaced by A.
Protein change: p.Val322Met; replaces valine 322 with methionine.
Molecular consequence: missense variant.
Genome position (GRCh38, 1-based): chr7:117,540,194, G>A. VCF-style: chr7-117540194-G-A. GRCh37 (hg19) VCF-style: chr7-117180248-G-A.
Other names: short protein forms V322M.
Identifiers: ClinVar variation 43580 (VCV000043580.20), dbSNP rs1800085, ClinGen allele CA132755.